The following is an entry in ClinVar:

ClinVar aggregate classification (germline): Uncertain significance (1 of 4 stars; one submission).

Conditions:
Arrhythmogenic right ventricular dysplasia 10. Also called: Arrhythmogenic Right Ventricular Dysplasia/Cardiomyopathy10; ARRHYTHMOGENIC RIGHT VENTRICULAR DYSPLASIA, FAMILIAL, 10; Arrhythmogenic right ventricular dysplasia/cardiomyopathy, type 10. Identifiers: MedGen C1857777, MONDO:0012434, OMIM 610193.

Submission:

Labcorp Genetics (formerly Invitae), Labcorp
Classification: Uncertain significance for Arrhythmogenic right ventricular dysplasia 10. Last evaluated: 2025-04-28. Review status: criteria provided, single submitter. Criteria: Invitae Variant Classification Sherloc (09022015). Collection method: clinical testing. Allele origin: germline.
Comment: This sequence change replaces glutamic acid, which is acidic and polar, with lysine, which is basic and polar, at codon 601 of the DSG2 protein (p.Glu601Lys). This variant is not present in population databases (gnomAD no frequency). This variant has not been reported in the literature in individuals affected with DSG2-related conditions. ClinVar contains an entry for this variant (Variation ID: 643107). Invitae Evidence Modeling of protein sequence and biophysical properties (such as structural, functional, and spatial information, amino acid conservation, physicochemical variation, residue mobility, and thermodynamic stability) indicates that this missense variant is not expected to disrupt DSG2 protein function with a negative predictive value of 95%. In summary, the available evidence is currently insufficient to determine the role of this variant in disease. Therefore, it has been classified as a Variant of Uncertain Significance.

NM_001943.5(DSG2):c.1801G>A (p.Glu601Lys)

Gene: DSG2 (desmoglein 2; plus strand). Cytogenetic location: 18q12.1.
Variant type: single nucleotide variant.
Coding change: c.1801G>A on transcript NM_001943.5 (MANE Select); coding-DNA position 1801, G replaced by A.
Protein change: p.Glu601Lys; replaces glutamic acid 601 with lysine.
Molecular consequence: missense variant.
Genome position (GRCh38, 1-based): chr18:31,538,900, G>A. VCF-style: chr18-31538900-G-A. GRCh37 (hg19) VCF-style: chr18-29118863-G-A.
Other names: c.1801G>A (LRG_397t1); short protein forms E601K.
Identifiers: ClinVar variation 643107 (VCV000643107.8), dbSNP rs1598821506, ClinGen allele CA402137809.
Genomic context (GRCh38, chr18:31,538,900, plus strand): 5'-CCTGAAAAGCAGGTCCTTACACTCACAGTTTGTGAGTGTCTGCATGGCAGCGGCTGCAGG[G>A]AAGCACAGCATGACTCCTATGTGGGCCTGGGACCCGCAGCAATTGCGCTCATGATTTTGG-3'
Protein context (NP_001934.2, residues 591-611): CECLHGSGCR[Glu601Lys]AQHDSYVGLG